The following is an entry in ClinVar:

NM_001190274.2(FBXO11):c.733G>T (p.Val245Leu)

Gene: FBXO11 (F-box protein 11; minus strand). Cytogenetic location: 2p16.3.
Variant type: single nucleotide variant.
Coding change: c.733G>T on transcript NM_001190274.2 (MANE Select); coding-DNA position 733, G replaced by T.
Protein change: p.Val245Leu; replaces valine 245 with leucine.
Molecular consequence: missense variant.
Genome position (GRCh38, 1-based): chr2:47,834,856, C>A on the plus strand (G>T on the coding strand, the complement: FBXO11 is on the minus strand). VCF-style: chr2-47834856-C-A. GRCh37 (hg19) VCF-style: chr2-48061995-C-A.
Other names: c.481G>T, p.Val161Leu (NM_001374325.1, NM_025133.4); short protein forms V161L, V245L.
Identifiers: ClinVar variation 3343100 (VCV003343100.1).

ClinVar aggregate classification (germline): Uncertain significance (1 of 4 stars; one submission).

Submission:

GeneDx
Classification: Uncertain significance. Last evaluated: 2023-04-16. Review status: criteria provided, single submitter. Criteria: GeneDx Variant Classification Process June 2021. Collection method: clinical testing. Allele origin: germline. Affected: yes.
Comment: Not observed at significant frequency in large population cohorts (gnomAD); In silico analysis supports that this missense variant does not alter protein structure/function; Has not been previously published as pathogenic or benign to our knowledge